The following is an entry in ClinVar:

ClinVar aggregate classification (germline): Uncertain significance (1 of 4 stars; one submission).

Submission:

Labcorp Genetics (formerly Invitae), Labcorp
Classification: Uncertain significance. Last evaluated: 2024-07-08. Review status: criteria provided, single submitter. Criteria: Invitae Variant Classification Sherloc (09022015). Collection method: clinical testing. Allele origin: germline.
Comment: This sequence change replaces leucine, which is neutral and non-polar, with methionine, which is neutral and non-polar, at codon 3863 of the ZNF469 protein (p.Leu3863Met). This variant is not present in population databases (gnomAD no frequency). This variant has not been reported in the literature in individuals affected with ZNF469-related conditions. An algorithm developed to predict the effect of missense changes on protein structure and function (PolyPhen-2) suggests that this variant is likely to be disruptive. In summary, the available evidence is currently insufficient to determine the role of this variant in disease. Therefore, it has been classified as a Variant of Uncertain Significance.

NM_001367624.2(ZNF469):c.11671C>A (p.Leu3891Met)

Gene: ZNF469 (zinc finger protein 469; plus strand). Cytogenetic location: 16q24.2.
Variant type: single nucleotide variant.
Coding change: c.11671C>A on transcript NM_001367624.2 (MANE Select); coding-DNA position 11671, C replaced by A.
Protein change: p.Leu3891Met; replaces leucine 3891 with methionine.
Molecular consequence: missense variant.
Genome position (GRCh38, 1-based): chr16:88,439,141, C>A. VCF-style: chr16-88439141-C-A. GRCh37 (hg19) VCF-style: chr16-88505549-C-A.
Other names: short protein forms L3891M.
Identifiers: ClinVar variation 3613162 (VCV003613162.2).